The following is an entry in ClinVar:

NM_000138.5(FBN1):c.4336+3A>C

Genes: FBN1 (fibrillin 1; minus strand), LOC126862124 (CDK7 strongly-dependent group 2 enhancer GRCh37_chr15:48764566-48765765; plus strand). Cytogenetic location: 15q21.1.
Variant type: single nucleotide variant.
Coding change: c.4336+3A>C on transcript NM_000138.5 (MANE Select); 3 bases into the intron after coding-DNA position 4336, A replaced by C.
Molecular consequence: intron variant.
Genome position (GRCh38, 1-based): chr15:48,472,548, T>G on the plus strand (A>C on the coding strand, the complement: FBN1 is on the minus strand). VCF-style: chr15-48472548-T-G. GRCh37 (hg19) VCF-style: chr15-48764745-T-G.
Other names: c.4336+3A>C (NM_001406716.1).
Identifiers: ClinVar variation 3375809 (VCV003375809.1).

ClinVar aggregate classification (germline): Uncertain significance (1 of 4 stars; one submission).

Submission:

GeneDx
Classification: Uncertain significance. Last evaluated: 2024-05-06. Review status: criteria provided, single submitter. Criteria: GeneDx Variant Classification Process June 2021. Collection method: clinical testing. Allele origin: germline. Affected: yes.
Comment: Not observed at significant frequency in large population cohorts (gnomAD); In silico analysis suggests this variant may impact gene splicing. In the absence of RNA/functional studies, the actual effect of this sequence change is unknown.; Has not been previously published as pathogenic or benign to our knowledge